The following is an entry in ClinVar:

ClinVar aggregate classification (germline): Uncertain significance (1 of 4 stars; one submission).

Submission:

Labcorp Genetics (formerly Invitae), Labcorp
Classification: Uncertain significance. Last evaluated: 2024-12-31. Review status: criteria provided, single submitter. Criteria: Invitae Variant Classification Sherloc (09022015). Collection method: clinical testing. Allele origin: germline.
Comment: This sequence change replaces proline, which is neutral and non-polar, with leucine, which is neutral and non-polar, at codon 2164 of the KMT2A protein (p.Pro2164Leu). This variant is present in population databases (rs533826575, gnomAD 0.003%). This variant has not been reported in the literature in individuals affected with KMT2A-related conditions. Invitae Evidence Modeling of protein sequence and biophysical properties (such as structural, functional, and spatial information, amino acid conservation, physicochemical variation, residue mobility, and thermodynamic stability) indicates that this missense variant is expected to disrupt KMT2A protein function with a positive predictive value of 95%. In summary, the available evidence is currently insufficient to determine the role of this variant in disease. Therefore, it has been classified as a Variant of Uncertain Significance.

NM_001197104.2(KMT2A):c.6491C>T (p.Pro2164Leu)

Gene: KMT2A (lysine methyltransferase 2A; plus strand). Cytogenetic location: 11q23.3.
Variant type: single nucleotide variant.
Coding change: c.6491C>T on transcript NM_001197104.2 (MANE Select); coding-DNA position 6491, C replaced by T.
Protein change: p.Pro2164Leu; replaces proline 2164 with leucine.
Molecular consequence: missense variant.
Genome position (GRCh38, 1-based): chr11:118,501,843, C>T. VCF-style: chr11-118501843-C-T. GRCh37 (hg19) VCF-style: chr11-118372558-C-T.
Other names: c.6581C>T, p.Pro2194Leu (NM_001412597.1); c.6482C>T, p.Pro2161Leu (NM_005933.4); short protein forms P2161L, P2164L, P2194L.
Identifiers: ClinVar variation 3608129 (VCV003608129.1).